The following is an entry in ClinVar:

ClinVar aggregate classification (germline): Uncertain significance (1 of 4 stars; one submission).

Submission:

GeneDx
Classification: Uncertain significance. Last evaluated: 2025-02-14. Review status: criteria provided, single submitter. Criteria: GeneDx Variant Classification Process June 2021. Collection method: clinical testing. Allele origin: germline. Affected: yes.
Comment: Not observed at significant frequency in large population cohorts (gnomAD); In silico analysis supports that this missense variant has a deleterious effect on protein structure/function; Has not been previously published as pathogenic or benign to our knowledge

NM_015015.3(KDM4B):c.398A>C (p.Tyr133Ser)

Gene: KDM4B (lysine demethylase 4B; plus strand). Cytogenetic location: 19p13.3.
Variant type: single nucleotide variant.
Coding change: c.398A>C on transcript NM_015015.3 (MANE Select); coding-DNA position 398, A replaced by C.
Protein change: p.Tyr133Ser; replaces tyrosine 133 with serine.
Molecular consequence: missense variant.
Genome position (GRCh38, 1-based): chr19:5,041,217, A>C. VCF-style: chr19-5041217-A-C. GRCh37 (hg19) VCF-style: chr19-5041228-A-C.
Other names: c.398A>C, p.Tyr133Ser (NM_001370093.1, NM_001370094.1, NM_001411148.1); short protein forms Y133S.
Identifiers: ClinVar variation 4075653 (VCV004075653.1).